The following is an entry in ClinVar:

ClinVar aggregate classification (germline): Pathogenic (1 of 4 stars; one submission).

Conditions:
Baller-Gerold syndrome (BGS). Also called: CRANIOSYNOSTOSIS WITH RADIAL DEFECTS. Identifiers: Orphanet 1225, MedGen C0265308, MONDO:0009039, OMIM 218600.

Allele frequency attached by ClinVar (database versions not stated): gnomAD exomes below 0.00001.
gnomAD v4.1: 1 of 1,612,590 alleles (0.000062%); highest among the groups gnomAD compares: Non-Finnish European, 0.000085%; no homozygotes.

Submission:

Labcorp Genetics (formerly Invitae), Labcorp
Classification: Pathogenic for Baller-Gerold syndrome. Last evaluated: 2022-10-31. Review status: criteria provided, single submitter. Criteria: Invitae Variant Classification Sherloc (09022015). Collection method: clinical testing. Allele origin: germline.
Comment: This sequence change creates a premature translational stop signal (p.Gln1145*) in the RECQL4 gene. It is expected to result in an absent or disrupted protein product. Loss-of-function variants in RECQL4 are known to be pathogenic (PMID: 12734318, 12952869). This variant is not present in population databases (gnomAD no frequency). This variant has not been reported in the literature in individuals affected with RECQL4-related conditions. ClinVar contains an entry for this variant (Variation ID: 837971). For these reasons, this variant has been classified as Pathogenic.

Literature cited by the submitters: PubMed 12734318; PubMed 12952869.

NM_004260.4(RECQL4):c.3433C>T (p.Gln1145Ter)

Gene: RECQL4 (RecQ like helicase 4; minus strand). Cytogenetic location: 8q24.3.
Variant type: single nucleotide variant.
Coding change: c.3433C>T on transcript NM_004260.4 (MANE Select); coding-DNA position 3433, C replaced by T.
Protein change: p.Gln1145Ter; replaces glutamine 1145 with a stop codon.
Molecular consequence: nonsense.
Genome position (GRCh38, 1-based): chr8:144,511,750, G>A on the plus strand (C>T on the coding strand, the complement: RECQL4 is on the minus strand). VCF-style: chr8-144511750-G-A. GRCh37 (hg19) VCF-style: chr8-145737133-G-A.
Other names: short protein forms Q1145*.
Identifiers: ClinVar variation 837971 (VCV000837971.6), dbSNP rs1827248750, ClinGen allele CA372667260.
Genomic context (GRCh38, chr8:144,511,750, plus strand): 5'-GGAAGATGCGGGCCACAGCCCTGCTGGAGAACTTCTCCTCTGGCCTCAGGGACAGGAACT[G>A]GCGGATGTCGCAGCGGACCTGGTCCTCCCAATCCTGGAGCTGTGTGGACAGGCACATCAG-3'